The following is an entry in ClinVar:

NM_004115.4(FGF14):c.671C>T (p.Thr224Met)

Gene: FGF14 (fibroblast growth factor 14; minus strand). Cytogenetic location: 13q33.1.
Variant type: single nucleotide variant.
Coding change: c.671C>T on transcript NM_004115.4 (MANE Select); coding-DNA position 671, C replaced by T.
Protein change: p.Thr224Met; replaces threonine 224 with methionine.
Molecular consequence: missense variant.
Genome position (GRCh38, 1-based): chr13:101,722,904, G>A on the plus strand (C>T on the coding strand, the complement: FGF14 is on the minus strand). VCF-style: chr13-101722904-G-A. GRCh37 (hg19) VCF-style: chr13-102375254-G-A.
Other names: c.419C>T, p.Thr140Met (NM_001321931.1, NM_001321934.1, NM_001321935.1 and 4 more transcripts); c.482C>T, p.Thr161Met (NM_001321932.1, NM_001321936.1, NM_001321944.1); c.491C>T, p.Thr164Met (NM_001321933.1, NM_001321938.2, NM_001321940.1); c.575C>T, p.Thr192Met (NM_001321939.2); c.485C>T, p.Thr162Met (NM_001321941.2); c.569C>T, p.Thr190Met (NM_001321945.2, NM_001321948.2, NM_001379342.1); c.530C>T, p.Thr177Met (NM_001321947.2); c.686C>T, p.Thr229Met (NM_175929.3); short protein forms T140M, T161M, T162M, T164M, T177M, T190M, T192M, T224M.
Identifiers: ClinVar variation 3251410 (VCV003251410.1), dbSNP rs757879324.

ClinVar aggregate classification (germline): Uncertain significance (1 of 4 stars; one submission).

Allele frequency attached by ClinVar (database versions not stated): ExAC 0.00002; TOPMed 0.00002; gnomAD exomes 0.00003; gnomAD 0.00004.
gnomAD v4.1: 43 of 1,613,106 alleles (0.0027%); highest among the groups gnomAD compares: African/African-American, 0.004%; no homozygotes.

Submission:

Women's Health and Genetics/Laboratory Corporation of America, LabCorp
Classification: Uncertain significance. Last evaluated: 2024-04-29. Review status: criteria provided, single submitter. Criteria: LabCorp Variant Classification Summary - May 2015. Collection method: clinical testing. Allele origin: germline.
Comment: Variant summary: FGF14 c.671C>T (p.Thr224Met) results in a non-conservative amino acid change in the encoded protein sequence. Four of five in-silico tools predict a damaging effect of the variant on protein function. The variant allele was found at a frequency of 4.4e-05 in 250446 control chromosomes. This frequency is not significantly higher than estimated for a pathogenic variant in FGF14 causing Spinocerebellar Ataxia Type 27, allowing no conclusion about variant significance. To our knowledge, no occurrence of c.671C>T in individuals affected with Spinocerebellar Ataxia Type 27 and no experimental evidence demonstrating its impact on protein function have been reported. No submitters have cited clinical-significance assessments for this variant to ClinVar. Based on the evidence outlined above, the variant was classified as uncertain significance.